The following is an entry in ClinVar:

ClinVar aggregate classification (germline): Conflicting classifications of pathogenicity. Review status: criteria provided, conflicting classifications (1 of 4 stars). 6 submissions from 6 submitters: Uncertain significance (4); Likely benign (1). 1 of the submissions does not count toward it. Last evaluated 2026-01-11.

Conditions:
BBS4-related disorder. Also called: BBS4-related condition.
Bardet-Biedl syndrome (BBS). Identifiers: Orphanet 110, MedGen C0752166, MONDO:0015229.

Allele frequency attached by ClinVar (database versions not stated): gnomAD exomes 0.00007 and 0.00037; gnomAD 0.00014 and 0.00017; TOPMed 0.00021; ExAC 0.00050; 1000 Genomes Project 0.00080.

Submissions (6):

Labcorp Genetics (formerly Invitae), Labcorp
Classification: Likely benign for Bardet-Biedl syndrome. Last evaluated: 2026-01-11. Review status: criteria provided, single submitter. Criteria: Invitae Variant Classification Sherloc (09022015). Collection method: clinical testing. Allele origin: germline.

Greenwood Genetic Center Diagnostic Laboratories, Greenwood Genetic Center
Classification: Uncertain significance. Last evaluated: 2025-12-10. Review status: criteria provided, single submitter. Criteria: ACMG Guidelines, 2015. Collection method: clinical testing. Allele origin: germline. Affected: yes.
Comment: PM4

Blueprint Genetics
Classification: Uncertain significance. Last evaluated: 2024-04-29. Review status: criteria provided, single submitter. Criteria: ACMG Guidelines, 2015. Collection method: clinical testing. Allele origin: germline.

GeneDx
Classification: Uncertain significance. Last evaluated: 2019-06-28. Review status: criteria provided, single submitter. Criteria: GeneDx Variant Classification Process June 2021. Collection method: clinical testing. Allele origin: germline. Affected: yes.
Comment: Frameshift variant predicted to result in protein truncation as the last 4 amino acids are lost and replaced with 7 incorrect amino acids, although loss-of-function variants have not been reported downstream of this position in the protein; This variant is associated with the following publications: (PMID: 15770229, 27491411)

Eurofins Ntd Llc (ga)
Classification: Uncertain significance. Last evaluated: 2013-09-10. Review status: criteria provided, single submitter. Criteria: EGL Classification Definitions 2015. Collection method: clinical testing. Allele origin: germline. Observed: 1 variant allele, 1 heterozygote.

PreventionGenetics, part of Exact Sciences
Classification: Likely benign for BBS4-related condition. Last evaluated: 2020-02-08. Review status: no assertion criteria provided. Collection method: clinical testing. Allele origin: germline. Not counted in ClinVar's aggregate classification.
Comment: This variant is classified as likely benign based on ACMG/AMP sequence variant interpretation guidelines (Richards et al. 2015 PMID: 25741868, with internal and published modifications).

NM_033028.5(BBS4):c.1548_1549del (p.Ile516fs)

Gene: BBS4 (Bardet-Biedl syndrome 4; plus strand). Cytogenetic location: 15q24.1.
Variant type: Deletion.
Coding change: c.1548_1549del on transcript NM_033028.5 (MANE Select); coding-DNA positions 1548 to 1549, 2 bases deleted (AA; older notation c.1548_1549delAA).
Protein change: p.Ile516fs; shifts the reading frame from isoleucine 516.
Molecular consequence: frameshift variant. On other transcripts: non-coding transcript variant (2).
Genome position (GRCh38, 1-based): chr15:72,737,575-72,737,576, AA deleted. VCF-style (leftmost placement, unchanged base first): chr15-72737574-TAA-T. GRCh37 (hg19) VCF-style: chr15-73029915-TAA-T.
Other names: c.1548_1549del (NM_033028.4); c.1032_1033del, p.Ile344fs (NM_001252678.2); c.1479_1480del, p.Ile493fs (NM_001320665.2); short protein forms I516fs, I493fs, I344fs.
Identifiers: ClinVar variation 96233 (VCV000096233.21), dbSNP rs398124432, ClinGen allele CA223846.